The following is an entry in ClinVar:

NM_001378454.1(ALMS1):c.7757G>A (p.Cys2586Tyr)

Gene: ALMS1 (ALMS1 centrosome and basal body associated protein; plus strand). Cytogenetic location: 2p13.1.
Variant type: single nucleotide variant.
Coding change: c.7757G>A on transcript NM_001378454.1 (MANE Select); coding-DNA position 7757, G replaced by A.
Protein change: p.Cys2586Tyr; replaces cysteine 2586 with tyrosine.
Molecular consequence: missense variant.
Genome position (GRCh38, 1-based): chr2:73,489,716, G>A. VCF-style: chr2-73489716-G-A. GRCh37 (hg19) VCF-style: chr2-73716843-G-A.
Other names: c.7760G>A, p.Cys2587Tyr (NM_015120.4); short protein forms C2586Y, C2587Y.
Identifiers: ClinVar variation 3355177 (VCV003355177.1).

ClinVar aggregate classification (germline): Uncertain significance (0 of 4 stars; one submission).

Conditions:
ALMS1-related disorder. Also called: ALMS1-related condition.

Submission:

PreventionGenetics, part of Exact Sciences
Classification: Uncertain significance for ALMS1-related condition. Last evaluated: 2024-09-27. Review status: no assertion criteria provided. Collection method: clinical testing. Allele origin: germline.
Comment: The ALMS1 c.7760G>A variant is predicted to result in the amino acid substitution p.Arg2587Gln. To our knowledge, this variant has not been reported in the literature. This variant is reported in 0.0065% of alleles in individuals of South Asian descent in gnomAD. At this time, the clinical significance of this variant is uncertain due to the absence of conclusive functional and genetic evidence.